The following is an entry in ClinVar:

NM_005751.5(AKAP9):c.6915G>C (p.Gln2305His)

Gene: AKAP9 (A-kinase anchoring protein 9; plus strand). Cytogenetic location: 7q21.2.
Variant type: single nucleotide variant.
Coding change: c.6915G>C on transcript NM_005751.5 (MANE Select); coding-DNA position 6915, G replaced by C.
Protein change: p.Gln2305His; replaces glutamine 2305 with histidine.
Molecular consequence: missense variant.
Genome position (GRCh38, 1-based): chr7:92,077,845, G>C. VCF-style: chr7-92077845-G-C. GRCh37 (hg19) VCF-style: chr7-91707159-G-C.
Other names: c.1560G>C, p.Gln520His (NM_001379277.1); c.6891G>C, p.Gln2297His (NM_147185.3); short protein forms Q2297H, Q2305H, Q520H.
Identifiers: ClinVar variation 4728004 (VCV004728004.1).
Genomic context (GRCh38, chr7:92,077,845, plus strand): 5'-AATAATACAGGAAAAAGAGGTAGAAATTGACCAATTAAATGAACAAGTTACGAAACTCCA[G>C]CAGCAACTTAAAATTACAACAGATAACAAGGTATACTCATTTAAAATTGATTATGAAATT-3'
Protein context (NP_005742.4, residues 2295-2315): DQLNEQVTKL[Gln2305His]QQLKITTDNK

ClinVar aggregate classification (germline): Uncertain significance (1 of 4 stars; one submission).

Conditions:
Long QT syndrome (LQTS). Identifiers: MedGen C0023976, MeSH D008133, MONDO:0002442. Disease mechanism: loss of function. Inheritance: Various modes of inheritance.

Submission:

Labcorp Genetics (formerly Invitae), Labcorp
Classification: Uncertain significance for Long QT syndrome. Last evaluated: 2025-09-28. Review status: criteria provided, single submitter. Criteria: Invitae Variant Classification Sherloc (09022015). Collection method: clinical testing. Allele origin: germline.
Comment: This sequence change replaces glutamine, which is neutral and polar, with histidine, which is basic and polar, at codon 2305 of the AKAP9 protein (p.Gln2305His). This variant is not present in population databases (gnomAD no frequency). This variant has not been reported in the literature in individuals affected with AKAP9-related conditions. An algorithm developed to predict the effect of missense changes on protein structure and function outputs the following: PolyPhen-2: "Benign". The histidine amino acid residue is found in multiple mammalian species, which suggests that this missense change does not adversely affect protein function. In summary, the available evidence is currently insufficient to determine the role of this variant in disease. Therefore, it has been classified as a Variant of Uncertain Significance.